The following is an entry in ClinVar:

NM_007194.4(CHEK2):c.1009T>C (p.Tyr337His)

Gene: CHEK2 (checkpoint kinase 2; minus strand). Cytogenetic location: 22q12.1.
Variant type: single nucleotide variant.
Coding change: c.1009T>C on transcript NM_007194.4 (MANE Select); coding-DNA position 1009, T replaced by C.
Protein change: p.Tyr337His; replaces tyrosine 337 with histidine.
Molecular consequence: missense variant. On other transcripts: intron variant (3).
Genome position (GRCh38, 1-based): chr22:28,696,987, A>G on the plus strand (T>C on the coding strand, the complement: CHEK2 is on the minus strand). VCF-style: chr22-28696987-A-G. GRCh37 (hg19) VCF-style: chr22-29092975-A-G.
Other names: c.1138T>C, p.Tyr380His (NM_001005735.3); c.346T>C, p.Tyr116His (NM_001257387.3, NM_001437942.1); c.808T>C, p.Tyr270His (NM_001349956.3); c.1102T>C, p.Tyr368His (NM_001438293.1); c.1009-1114T>C (NM_145862.3); c.1102-1114T>C (NM_001438295.1); c.1138-1114T>C (NM_001438294.1); short protein forms Y337H, Y116H, Y380H, Y270H, Y368H.
Identifiers: ClinVar variation 845448 (VCV000845448.10), dbSNP rs2052615357, ClinGen allele CA411097864.

ClinVar aggregate classification (germline): Uncertain significance (1 of 4 stars; one submission).

Conditions:
Familial cancer of breast. Also called: hereditary breast carcinoma; Hereditary breast cancer; BREAST CANCER, FAMILIAL. Identifiers: Orphanet 227535, MedGen C0346153, MONDO:0016419, OMIM 114480. Disease mechanism: loss of function.

Submission:

Labcorp Genetics (formerly Invitae), Labcorp
Classification: Uncertain significance for Familial cancer of breast. Last evaluated: 2019-03-25. Review status: criteria provided, single submitter. Criteria: Invitae Variant Classification Sherloc (09022015). Collection method: clinical testing. Allele origin: germline.
Comment: This sequence change replaces tyrosine with histidine at codon 337 of the CHEK2 protein (p.Tyr337His). The tyrosine residue is highly conserved and there is a moderate physicochemical difference between tyrosine and histidine. In summary, the available evidence is currently insufficient to determine the role of this variant in disease. Therefore, it has been classified as a Variant of Uncertain Significance. Algorithms developed to predict the effect of missense changes on protein structure and function are either unavailable or do not agree on the potential impact of this missense change (SIFT: "Deleterious"; PolyPhen-2: "Probably Damaging"; Align-GVGD: "Class C0"). This variant has not been reported in the literature in individuals with CHEK2-related conditions. This variant is not present in population databases (ExAC no frequency).